The following is an entry in ClinVar:

NM_001244008.2(KIF1A):c.3927C>T (p.Thr1309=)

Gene: KIF1A (kinesin family member 1A; minus strand). Cytogenetic location: 2q37.3.
Variant type: single nucleotide variant.
Coding change: c.3927C>T on transcript NM_001244008.2 (MANE Select); coding-DNA position 3927, C replaced by T.
Protein change: p.Thr1309=; no amino-acid change (threonine 1309 retained).
Molecular consequence: synonymous variant.
Genome position (GRCh38, 1-based): chr2:240,737,143, G>A on the plus strand (C>T on the coding strand, the complement: KIF1A is on the minus strand). VCF-style: chr2-240737143-G-A. GRCh37 (hg19) VCF-style: chr2-241676560-G-A.
Other names: c.3651C>T, p.Thr1217= (NM_001320705.2, NM_001330289.2, NM_001379638.1); c.3726C>T, p.Thr1242= (NM_001330290.2, NM_001379634.1, NM_001379635.1 and 1 more transcripts); c.4002C>T, p.Thr1334= (NM_001379631.1); c.3876C>T, p.Thr1292= (NM_001379632.1); c.3900C>T, p.Thr1300= (NM_001379633.1, NM_001379642.1, NM_001379645.1); c.3738C>T, p.Thr1246= (NM_001379636.1); c.3699C>T, p.Thr1233= (NM_001379637.1, NM_001379648.1); c.3624C>T, p.Thr1208= (NM_001379639.1, NM_001379641.1, NM_001379649.1 and 4 more transcripts); and 2 more.
Identifiers: ClinVar variation 795547 (VCV000795547.13), dbSNP rs745933421, ClinGen allele CA2207578.

ClinVar aggregate classification (germline): Likely benign. Review status: criteria provided, multiple submitters, no conflicts (2 of 4 stars). 3 submissions from 3 submitters: Likely benign (2). 1 of the submissions does not count toward it. Last evaluated 2025-02-07.

Conditions:
Neuropathy, hereditary sensory, type 2C. Also called: Hereditary sensory and autonomic neuropathy type IIC; KIF1A-Related HSAN2 (HSAN2C). Identifiers: Orphanet 970, MedGen C3280168, MONDO:0013634, OMIM 614213.
Intellectual disability, autosomal dominant 9 (NESCAVS). Also called: KIF1A-Related Neurodevelopmental Disorder; NESCAV SYNDROME. Identifiers: Orphanet 662367, MedGen C5393830, MONDO:0013656, OMIM 614255.
Hereditary spastic paraplegia 30. Identifiers: Orphanet 101010, MedGen C5235139, MONDO:0012476.
KIF1A-related disorder. Also called: KIF1A-related disorders; KIF1A-related condition.

Allele frequency attached by ClinVar (database versions not stated): ExAC 0.00001; gnomAD exomes 0.00001 and 0.00002; TOPMed 0.00001.
gnomAD v4.1: 17 of 1,613,506 alleles (0.0011%); highest among the groups gnomAD compares: Admixed American, 0.0033%; no homozygotes.

Submissions (3):

Labcorp Genetics (formerly Invitae), Labcorp
Classification: Likely benign for Hereditary spastic paraplegia 30; Neuropathy, hereditary sensory, type 2C; Intellectual disability, autosomal dominant 9. Last evaluated: 2025-02-07. Review status: criteria provided, single submitter. Criteria: Invitae Variant Classification Sherloc (09022015). Collection method: clinical testing. Allele origin: germline.

Blueprint Genetics
Classification: Likely benign. Last evaluated: 2024-04-02. Review status: criteria provided, single submitter. Criteria: ACMG Guidelines, 2015. Collection method: clinical testing. Allele origin: germline.

PreventionGenetics, part of Exact Sciences
Classification: Likely benign for KIF1A-related condition. Last evaluated: 2023-09-03. Review status: no assertion criteria provided. Collection method: clinical testing. Allele origin: germline. Not counted in ClinVar's aggregate classification.
Comment: This variant is classified as likely benign based on ACMG/AMP sequence variant interpretation guidelines (Richards et al. 2015 PMID: 25741868, with internal and published modifications).